The following is an entry in ClinVar:

ClinVar aggregate classification (germline): Uncertain significance (1 of 4 stars; one submission).

Allele frequency attached by ClinVar (database versions not stated): gnomAD exomes below 0.00001.
gnomAD v4.1: 3 of 1,614,232 alleles (0.00019%); highest among the groups gnomAD compares: Admixed American, 0.0033%; no homozygotes.

Submission:

Labcorp Genetics (formerly Invitae), Labcorp
Classification: Uncertain significance. Last evaluated: 2022-04-28. Review status: criteria provided, single submitter. Criteria: Invitae Variant Classification Sherloc (09022015). Collection method: clinical testing. Allele origin: germline.
Comment: This sequence change replaces glycine, which is neutral and non-polar, with aspartic acid, which is acidic and polar, at codon 247 of the DHCR24 protein (p.Gly247Asp). This variant is not present in population databases (gnomAD no frequency). This variant has not been reported in the literature in individuals affected with DHCR24-related conditions. Algorithms developed to predict the effect of missense changes on protein structure and function (SIFT, PolyPhen-2, Align-GVGD) all suggest that this variant is likely to be tolerated. In summary, the available evidence is currently insufficient to determine the role of this variant in disease. Therefore, it has been classified as a Variant of Uncertain Significance.

NM_014762.4(DHCR24):c.740G>A (p.Gly247Asp)

Gene: DHCR24 (24-dehydrocholesterol reductase; minus strand). Cytogenetic location: 1p32.3.
Variant type: single nucleotide variant.
Coding change: c.740G>A on transcript NM_014762.4 (MANE Select); coding-DNA position 740, G replaced by A.
Protein change: p.Gly247Asp; replaces glycine 247 with aspartic acid.
Molecular consequence: missense variant.
Genome position (GRCh38, 1-based): chr1:54,871,486, C>T on the plus strand (G>A on the coding strand, the complement: DHCR24 is on the minus strand). VCF-style: chr1-54871486-C-T. GRCh37 (hg19) VCF-style: chr1-55337159-C-T.
Other names: short protein forms G247D.
Identifiers: ClinVar variation 2103333 (VCV002103333.4), dbSNP rs2524727385, ClinGen allele CA340457811.